The following is an entry in ClinVar:

NM_030662.4(MAP2K2):c.449T>C (p.Met150Thr)

Gene: MAP2K2 (mitogen-activated protein kinase kinase 2; minus strand). Cytogenetic location: 19p13.3.
Variant type: single nucleotide variant.
Coding change: c.449T>C on transcript NM_030662.4 (MANE Select); coding-DNA position 449, T replaced by C.
Protein change: p.Met150Thr; replaces methionine 150 with threonine.
Molecular consequence: missense variant.
Genome position (GRCh38, 1-based): chr19:4,110,510, A>G on the plus strand (T>C on the coding strand, the complement: MAP2K2 is on the minus strand). VCF-style: chr19-4110510-A-G. GRCh37 (hg19) VCF-style: chr19-4110508-A-G.
Other names: c.449T>C (NM_030662.3); short protein forms M150T.
Identifiers: ClinVar variation 1677627 (VCV001677627.7), dbSNP rs1441349097, ClinGen allele CA403391212.
Genomic context (GRCh38, chr19:4,110,510, plus strand): 5'-CCCCAACATGCTCTGTTCCGTGGAGGCCCTGCCCCTGCCCCTGCCCCGGACGCACTCACC[A>G]TGTGTTCCATGCAAATGCTGATCTCCCCGTCACTGTAGAAGGCCCCGTAGAAGCCCACGA-3'
Protein context (NP_109587.1, residues 140-160): DGEISICMEH[Met150Thr]DGGSLDQVLK

ClinVar aggregate classification (germline): Uncertain significance. Review status: criteria provided, multiple submitters, no conflicts (2 of 4 stars). 5 submissions from 5 submitters: Uncertain significance (5). Last evaluated 2026-03-21.

Conditions:
RASopathy. Also called: rasopathies; Noonan spectrum disorder. Identifiers: Orphanet 536391, MedGen C5555857, MONDO:0021060.
Cardiofaciocutaneous syndrome 4 (CFC4). Also called: MAP2K2-Related Cardiofaciocutaneous Syndrome. Identifiers: Orphanet 1340, MedGen C3809007, MONDO:0014114, OMIM 615280.

Allele frequency attached by ClinVar (database versions not stated): gnomAD exomes 0.00002 and 0.00001; TOPMed 0.00002.

Submissions (5):

Clinical Genomics Laboratory, Washington University in St. Louis
Classification: Uncertain significance for Cardiofaciocutaneous syndrome 4. Last evaluated: 2026-03-21. Review status: criteria provided, single submitter. Criteria: ACMG Guidelines, 2015. Collection method: clinical testing. Allele origin: germline.
Comment: The MAP2K2 c.449T>C (p.Met150Thr) variant, to our knowledge, has not been reported in the medical literature. This variant has been reported in the ClinVar database as a germline variant of uncertain significance by three submitters. This variant is only observed in 17/1613410 alleles in the general population (gnomAD v4.1.0), indicating it is not a common variant. Computational predictors indicate that the variant is damaging, evidence that correlates with impact to MAP2K2 function. Due to limited information, and based on the ClinGen RASopathy Expert Panel Specifications to the ACMG/AMP Variant Interpretation Guidelines for MAP2K2 Version 2.3.0 (Wilcox EH et al., PMID: 40496714), the clinical significance of this variant is uncertain at this time.

Labcorp Genetics (formerly Invitae), Labcorp
Classification: Uncertain significance for RASopathy. Last evaluated: 2025-12-01. Review status: criteria provided, single submitter. Criteria: Invitae Variant Classification Sherloc (09022015). Collection method: clinical testing. Allele origin: germline.
Comment: This sequence change replaces methionine, which is neutral and non-polar, with threonine, which is neutral and polar, at codon 150 of the MAP2K2 protein (p.Met150Thr). This variant is present in population databases (no rsID available, gnomAD 0.004%). This variant has not been reported in the literature in individuals affected with MAP2K2-related conditions. ClinVar contains an entry for this variant (Variation ID: 1677627). An algorithm developed to predict the effect of missense changes on protein structure and function (PolyPhen-2) suggests that this variant is likely to be disruptive. In summary, the available evidence is currently insufficient to determine the role of this variant in disease. Therefore, it has been classified as a Variant of Uncertain Significance.

GeneDx
Classification: Uncertain significance. Last evaluated: 2025-06-04. Review status: criteria provided, single submitter. Criteria: GeneDx Variant Classification Process June 2021. Collection method: clinical testing. Allele origin: germline. Affected: yes.
Comment: Missense variants in this gene are a common cause of disease and they are underrepresented in the general population; In silico analysis supports that this missense variant has a deleterious effect on protein structure/function; Has not been previously published as pathogenic or benign to our knowledge; This variant is associated with the following publications: (PMID: 29493581)

Women's Health and Genetics/Laboratory Corporation of America, LabCorp
Classification: Uncertain significance. Last evaluated: 2023-10-23. Review status: criteria provided, single submitter. Criteria: LabCorp Variant Classification Summary - May 2015. Collection method: clinical testing. Allele origin: germline.

AiLife Diagnostics
Classification: Uncertain significance. Last evaluated: 2021-11-15. Review status: criteria provided, single submitter. Criteria: ACMG Guidelines, 2015. Collection method: clinical testing. Allele origin: germline. Affected: yes. Observed: 1 variant allele.